The following is an entry in ClinVar:

NM_001692.4(ATP6V1B1):c.751G>A (p.Val251Ile)

Gene: ATP6V1B1 (ATPase H+ transporting V1 subunit B1; plus strand). Cytogenetic location: 2p13.3.
Variant type: single nucleotide variant.
Coding change: c.751G>A on transcript NM_001692.4 (MANE Select); coding-DNA position 751, G replaced by A.
Protein change: p.Val251Ile; replaces valine 251 with isoleucine.
Molecular consequence: missense variant.
Genome position (GRCh38, 1-based): chr2:70,961,659, G>A. VCF-style: chr2-70961659-G-A. GRCh37 (hg19) VCF-style: chr2-71188789-G-A.
Other names: c.751G>A (NM_001692.3); short protein forms V251I.
Identifiers: ClinVar variation 1977041 (VCV001977041.3), dbSNP rs782653007, ClinGen allele CA1701148.
Genomic context (GRCh38, chr2:70,961,659, plus strand): 5'-AACATGGAGACAGCCAGATTCTTCAAGTCTGACTTTGAGCAGAATGGAACCATGGGGAAC[G>A]TCTGCCTCTTCCTGAACTTGGCCAATGACCCCACGTGAGCTTTCCCTGATGCCCAAACTG-3'
Protein context (NP_001683.2, residues 241-261): DFEQNGTMGN[Val251Ile]CLFLNLANDP

ClinVar aggregate classification (germline): Uncertain significance. Review status: criteria provided, multiple submitters, no conflicts (2 of 4 stars). 2 submissions from 2 submitters: Uncertain significance (2). Last evaluated 2024-12-23.

Conditions:
Inborn genetic diseases. Identifiers: MedGen C0950123, MeSH D030342.

Allele frequency attached by ClinVar (database versions not stated): gnomAD exomes below 0.00001; ExAC 0.00001.
gnomAD v4.1: 4 of 1,614,220 alleles (0.00025%); highest among the groups gnomAD compares: Admixed American, 0.0017%; no homozygotes.

Submissions (2):

Ambry Genetics
Classification: Uncertain significance for Inborn genetic diseases. Last evaluated: 2024-12-23. Review status: criteria provided, single submitter. Criteria: Ambry Variant Classification Scheme 2023. Collection method: clinical testing. Allele origin: germline.

Labcorp Genetics (formerly Invitae), Labcorp
Classification: Uncertain significance. Last evaluated: 2022-09-09. Review status: criteria provided, single submitter. Criteria: Invitae Variant Classification Sherloc (09022015). Collection method: clinical testing. Allele origin: germline.
Comment: This sequence change replaces valine, which is neutral and non-polar, with isoleucine, which is neutral and non-polar, at codon 251 of the ATP6V1B1 protein (p.Val251Ile). This variant is present in population databases (rs782653007, gnomAD 0.0009%). This variant has not been reported in the literature in individuals affected with ATP6V1B1-related conditions. Advanced modeling of protein sequence and biophysical properties (such as structural, functional, and spatial information, amino acid conservation, physicochemical variation, residue mobility, and thermodynamic stability) performed at Invitae indicates that this missense variant is not expected to disrupt ATP6V1B1 protein function. In summary, the available evidence is currently insufficient to determine the role of this variant in disease. Therefore, it has been classified as a Variant of Uncertain Significance.